The following is an entry in ClinVar:

ClinVar aggregate classification (germline): Uncertain significance (1 of 4 stars; one submission).

Conditions:
Cardiovascular phenotype. Identifiers: MedGen CN230736.

Submission:

Ambry Genetics
Classification: Uncertain significance for Cardiovascular phenotype. Last evaluated: 2022-11-19. Review status: criteria provided, single submitter. Criteria: Ambry Variant Classification Scheme 2023. Collection method: clinical testing. Allele origin: germline.
Comment: The p.R1701L variant (also known as c.5102G>T), located in coding exon 32 of the MYH6 gene, results from a G to T substitution at nucleotide position 5102. The arginine at codon 1701 is replaced by leucine, an amino acid with dissimilar properties. This amino acid position is conserved. In addition, this alteration is predicted to be deleterious by in silico analysis. Since supporting evidence is limited at this time, the clinical significance of this alteration remains unclear.

NM_002471.4(MYH6):c.5102G>T (p.Arg1701Leu)

Genes: MYH6 (myosin heavy chain 6; minus strand), LOC126861896 (BRD4-independent group 4 enhancer GRCh37_chr14:23854904-23856103; plus strand). Cytogenetic location: 14q11.2.
Variant type: single nucleotide variant.
Coding change: c.5102G>T on transcript NM_002471.4 (MANE Select); coding-DNA position 5102, G replaced by T.
Protein change: p.Arg1701Leu; replaces arginine 1701 with leucine.
Molecular consequence: missense variant.
Genome position (GRCh38, 1-based): chr14:23,385,989, C>A on the plus strand (G>T on the coding strand, the complement: MYH6 is on the minus strand). VCF-style: chr14-23385989-C-A. GRCh37 (hg19) VCF-style: chr14-23855198-C-A.
Other names: short protein forms R1701L.
Identifiers: ClinVar variation 2452907 (VCV002452907.2), dbSNP rs762103586, ClinGen allele CA388989650.
Genomic context (GRCh38, chr14:23,385,989, plus strand): 5'-TGGGAATGCAGCAGCTGCACCCGCTCGCTGGTCTCAATCAGCTCCTGCTCCGCCAGCTTC[C>A]GGGACCGCTCTGTCTGCTCCACCACGGCACGCAGCTCCTCCAGCTCAGCCTGCAGCAGGT-3'
Protein context (NP_002462.2, residues 1691-1711): RAVVEQTERS[Arg1701Leu]KLAEQELIET